The following is an entry in ClinVar:

ClinVar aggregate classification (germline): Uncertain significance (1 of 4 stars; one submission).

Conditions:
Hereditary cancer-predisposing syndrome. Also called: Neoplastic Syndromes, Hereditary; Tumor predisposition; Hereditary Cancer Syndrome; Hereditary neoplastic syndrome. Identifiers: Orphanet 140162, MedGen C0027672, MeSH D009386, MONDO:0015356.

gnomAD v4.1: 1 of 1,613,106 alleles (0.000062%); highest among the groups gnomAD compares: Non-Finnish European, 0.000085%; no homozygotes.

Submission:

Ambry Genetics
Classification: Uncertain significance for Hereditary cancer-predisposing syndrome. Last evaluated: 2026-01-14. Review status: criteria provided, single submitter. Criteria: Ambry Variant Classification Scheme 2023. Collection method: clinical testing. Allele origin: germline.
Comment: The p.S1053C variant (also known as c.3158C>G), located in coding exon 19 of the ALK gene, results from a C to G substitution at nucleotide position 3158. The serine at codon 1053 is replaced by cysteine, an amino acid with dissimilar properties. This amino acid position is conserved. In addition, the in silico prediction for this alteration is inconclusive. Based on the available evidence, the clinical significance of this variant remains unclear.

NM_004304.5(ALK):c.3158C>G (p.Ser1053Cys)

Gene: ALK (ALK receptor tyrosine kinase; minus strand). Cytogenetic location: 2p23.2.
Variant type: single nucleotide variant.
Coding change: c.3158C>G on transcript NM_004304.5 (MANE Select); coding-DNA position 3158, C replaced by G.
Protein change: p.Ser1053Cys; replaces serine 1053 with cysteine.
Molecular consequence: missense variant.
Genome position (GRCh38, 1-based): chr2:29,225,475, G>C on the plus strand (C>G on the coding strand, the complement: ALK is on the minus strand). VCF-style: chr2-29225475-G-C. GRCh37 (hg19) VCF-style: chr2-29448341-G-C.
Other names: short protein forms S1053C.
Identifiers: ClinVar variation 4843269 (VCV004843269.1).